The following is an entry in ClinVar:

ClinVar aggregate classification (germline): Pathogenic (1 of 4 stars; one submission).

Conditions:
Autosomal recessive nonsyndromic hearing loss 9. Also called: NEUROSENSORY NONSYNDROMIC RECESSIVE DEAFNESS 9; OTOF-Related Hearing Loss; Deafness, autosomal recessive 9; AUDITORY NEUROPATHY, AUTOSOMAL RECESSIVE, 1, TEMPERATURE-SENSITIVE. Identifiers: Orphanet 90636, MedGen C1832828, MONDO:0010986, OMIM 601071.

Submission:

Institute of Rare Diseases, West China Hospital, Sichuan University
Classification: Pathogenic for Autosomal recessive nonsyndromic hearing loss 9. Last evaluated: 2025-01-09. Review status: criteria provided, single submitter. Criteria: ClinGen HL ACMG Specifications v1. Collection method: research. Allele origin: germline. Affected: yes.
Comment: PVS1;PM3;PM2_Supporting

NM_194248.3(OTOF):c.4021G>T (p.Glu1341Ter)

Gene: OTOF (otoferlin; minus strand). Cytogenetic location: 2p23.3.
Variant type: single nucleotide variant.
Coding change: c.4021G>T on transcript NM_194248.3 (MANE Select); coding-DNA position 4021, G replaced by T.
Protein change: p.Glu1341Ter; replaces glutamic acid 1341 with a stop codon.
Molecular consequence: nonsense.
Genome position (GRCh38, 1-based): chr2:26,470,595, C>A on the plus strand (G>T on the coding strand, the complement: OTOF is on the minus strand). VCF-style: chr2-26470595-C-A. GRCh37 (hg19) VCF-style: chr2-26693463-C-A.
Other names: c.4021G>T, p.Glu1341Ter (NM_001287489.2); c.1720G>T, p.Glu574Ter (NM_004802.4, NM_194323.3); c.1951G>T, p.Glu651Ter (NM_194322.3); short protein forms E1341*, E574*, E651*.
Identifiers: ClinVar variation 3601540 (VCV003601540.1).